The following is an entry in ClinVar:

NM_001164760.2(PRKAR1B):c.1003C>T (p.Arg335Trp)

Gene: PRKAR1B (protein kinase cAMP-dependent type I regulatory subunit beta; minus strand). Cytogenetic location: 7p22.3.
Variant type: single nucleotide variant.
Coding change: c.1003C>T on transcript NM_001164760.2 (MANE Select); coding-DNA position 1003, C replaced by T.
Protein change: p.Arg335Trp; replaces arginine 335 with tryptophan.
Molecular consequence: missense variant.
Genome position (GRCh38, 1-based): chr7:550,573, G>A on the plus strand (C>T on the coding strand, the complement: PRKAR1B is on the minus strand). VCF-style: chr7-550573-G-A. GRCh37 (hg19) VCF-style: chr7-590210-G-A.
Other names: c.1003C>T, p.Arg335Trp (NM_001164758.2, NM_001164759.1, NM_001164761.2 and 2 more transcripts); c.1003C>T (NM_001164762.1); short protein forms R335W.
Identifiers: ClinVar variation 1172535 (VCV001172535.29), dbSNP rs1475000361, ClinGen allele CA366535718.

ClinVar aggregate classification (germline): Pathogenic/Likely pathogenic. Review status: criteria provided, multiple submitters, no conflicts (2 of 4 stars). 7 submissions from 7 submitters: Pathogenic (5); Likely pathogenic (1). 1 of the submissions does not count toward it. Last evaluated 2025-06-26.

Conditions:
Marbach-Schaaf neurodevelopmental syndrome (MASNS). Identifiers: Orphanet 692173, MedGen C5562050, MONDO:0859214, OMIM 619680.
PRKAR1B-related neurodevelopmental disorder.

Submissions (7):

Dasa
Classification: Pathogenic. Last evaluated: 2025-06-26. Review status: criteria provided, single submitter. Criteria: DASA Assertion Criteria. Collection method: clinical testing. Allele origin: germline.
Comment: NM_001164760.2(PRKAR1B):c.1003C>T (p.Arg335Trp) introduces an arginine-to-tryptophan substitution affecting a conserved residue, with functional studies demonstrating impaired protein function and reports in individuals with Marbach-Schaaf neurodevelopmental syndrome (PMID: 33833410). Based on the available data, this variant is classified as pathogenic.

3billion
Classification: Pathogenic for Marbach-Schaaf neurodevelopmental syndrome. Last evaluated: 2025-03-20. Review status: criteria provided, single submitter. Criteria: ACMG Guidelines, 2015. Collection method: clinical testing. Allele origin: germline. Affected: yes.
Comment: The variant is not observed in the gnomAD v4.1.0 dataset. Predicted Consequence/Location: Missense variant Functional studies provide moderate evidence of the variant having a damaging effect on the gene or gene product (PMID: 33833410). In silico tool predictions suggest damaging effect of the variant on gene or gene product [REVEL: 0.92 (>=0.6, sensitivity 0.68 and specificity 0.92); 3Cnet: 0.99 (> 0.75, sensitivity 0.96 and precision 0.92)]. The same nucleotide change resulting in the same amino acid change has been previously reported as pathogenic/likely pathogenic with strong evidence (ClinVar ID: VCV001172535 / PMID: 33833410). The variant has been previously reported as de novo in a similarly affected individual (PMID: 33833410). Therefore, this variant is classified as Pathogenic according to the recommendation of ACMG/AMP guideline.

CeGaT Center for Human Genetics Tuebingen
Classification: Pathogenic. Last evaluated: 2024-02-01. Review status: criteria provided, single submitter. Criteria: CeGaT Center For Human Genetics Tuebingen Variant Classification Criteria Version 2. Collection method: clinical testing. Allele origin: germline. Affected: yes. Observed: 1 variant allele.
Comment: PRKAR1B: PS2:Very Strong, PM2, PS4:Moderate, PP3, PS3:Supporting

Institute of Medical Genetics and Applied Genomics, University Hospital Tübingen
Classification: Likely pathogenic. Last evaluated: 2021-09-15. Review status: criteria provided, single submitter. Criteria: ACMG Guidelines, 2015. Collection method: clinical testing. Allele origin: germline. Inheritance: Autosomal dominant inheritance. Affected: yes.

Undiagnosed Diseases Network, NIH
Classification: Pathogenic for PRKAR1B-related neurodevelopmental disorder. Last evaluated: 2021-05-17. Review status: criteria provided, single submitter. Criteria: ACMG Guidelines, 2015. Collection method: clinical testing. Allele origin: de novo. Inheritance: Autosomal dominant inheritance. Affected: yes. Observed: 1 variant allele, 1 heterozygote. Study: Undiagnosed Diseases Network (NIH), UDN.

Laboratoire de Génétique Moléculaire, CHU Bordeaux
Classification: Pathogenic. Review status: criteria provided, single submitter. Criteria: ACMG Guidelines, 2015. Collection method: clinical testing. Allele origin: germline. Affected: yes.

OMIM
Classification: Pathogenic for MARBACH-SCHAAF NEURODEVELOPMENTAL SYNDROME. Last evaluated: 2021-12-23. Review status: no assertion criteria provided. Collection method: literature only. Allele origin: germline. Not counted in ClinVar's aggregate classification.

Literature cited by the submitters: PubMed 33833410 (cited by 4 submitters); PubMed 35789103 (cited by Dasa).